The following is an entry in ClinVar:

ClinVar aggregate classification (germline): Likely benign. Review status: criteria provided, multiple submitters, no conflicts (2 of 4 stars). 2 submissions from 2 submitters: Likely benign (2). Last evaluated 2025-03-23.

Conditions:
Developmental and epileptic encephalopathy, 11 (DEE11). Also called: Early infantile epileptic encephalopathy 11. Identifiers: Orphanet 1934, MedGen C3150987, MONDO:0013388, OMIM 613721.
Seizures, benign familial infantile, 3 (BFIS3). Also called: CONVULSIONS, BENIGN FAMILIAL INFANTILE, 3; Familial neonatal seizures. Identifiers: Orphanet 140927, Orphanet 306, MedGen C1843140, MONDO:0011904, OMIM 607745.

Allele frequency attached by ClinVar (database versions not stated): gnomAD 0.00001; TOPMed 0.00001; ExAC 0.00002; gnomAD exomes 0.00002 and 0.00003.
gnomAD v4.1: 48 of 1,613,852 alleles (0.003%); highest among the groups gnomAD compares: Non-Finnish European, 0.0037%; no homozygotes.

Submissions (2):

Labcorp Genetics (formerly Invitae), Labcorp
Classification: Likely benign for Seizures, benign familial infantile, 3; Developmental and epileptic encephalopathy, 11. Last evaluated: 2025-03-23. Review status: criteria provided, single submitter. Criteria: Invitae Variant Classification Sherloc (09022015). Collection method: clinical testing. Allele origin: germline.

Illumina Laboratory Services, Illumina
Classification: Likely benign for Seizures, benign familial infantile, 3. Last evaluated: 2018-01-13. Review status: criteria provided, single submitter. Criteria: ICSL Variant Classification Criteria 13 December 2019. Collection method: clinical testing. Allele origin: germline.
Comment: This variant was observed in the ICSL laboratory as part of a predisposition screen in an ostensibly healthy population. It had not been previously curated by ICSL or reported in the Human Gene Mutation Database (HGMD: prior to June 1st, 2018), and was therefore a candidate for classification through an automated scoring system. Utilizing variant allele frequency, disease prevalence and penetrance estimates, and inheritance mode, an automated score was calculated to assess if this variant is too frequent to cause the disease. Based on the score and internal cut-off values, a variant classified as likely benign is not then subjected to further curation. The score for this variant resulted in a classification of likely benign for this disease.

NM_001040142.2(SCN2A):c.5544T>C (p.Ser1848=)

Gene: SCN2A (sodium voltage-gated channel alpha subunit 2; plus strand). Cytogenetic location: 2q24.3.
Variant type: single nucleotide variant.
Coding change: c.5544T>C on transcript NM_001040142.2 (MANE Select); coding-DNA position 5544, T replaced by C.
Protein change: p.Ser1848=; no amino-acid change (serine 1848 retained).
Molecular consequence: synonymous variant.
Genome position (GRCh38, 1-based): chr2:165,389,350, T>C. VCF-style: chr2-165389350-T-C. GRCh37 (hg19) VCF-style: chr2-166245860-T-C.
Other names: c.5544T>C, p.Ser1848= (NM_001040143.2, NM_001371246.1, NM_001371247.1 and 1 more transcripts).
Identifiers: ClinVar variation 331740 (VCV000331740.13), dbSNP rs761713186, ClinGen allele CA1940399.